The following is an entry in ClinVar:

NM_001399.5(EDA):c.2T>G (p.Met1Arg)

Gene: EDA (ectodysplasin A; plus strand). Cytogenetic location: Xq13.1.
Variant type: single nucleotide variant.
Coding change: c.2T>G on transcript NM_001399.5 (MANE Select); coding-DNA position 2, T replaced by G.
Protein change: p.Met1Arg; changes the start codon (methionine 1).
Molecular consequence: missense variant, initiator codon variant.
Genome position (GRCh38, 1-based): chrX:69,616,310, T>G. VCF-style: chrX-69616310-T-G. GRCh37 (hg19) VCF-style: chrX-68836154-T-G.
Other names: c.2T>G, p.Met1Arg (NM_001005609.2, NM_001005610.4, NM_001005612.3 and 2 more transcripts); short protein forms M1R.
Identifiers: ClinVar variation 2737240 (VCV002737240.3), dbSNP rs397516659, ClinGen allele CA413446835.
Genomic context (GRCh38, chrX:69,616,310, plus strand): 5'-ACGGCTGAGGCAGACGCAGCGGCTCCCGGGCCTCAAGAGAGTGGGTGTCTCCGGAGGCCA[T>G]GGGCTACCCGGAGGTGGAGCGCAGGGAACTCCTGCCTGCAGCAGCGCCGCGGGAGCGAGG-3'
Protein context (NP_001390.1, residues 1-11): [Met1Arg]GYPEVERREL

ClinVar aggregate classification (germline): Pathogenic (1 of 4 stars; one submission).

Conditions:
Hypohidrotic X-linked ectodermal dysplasia (XHED). Also called: Ectodermal Dysplasia 1, Anhidrotic; Anhidrotic ectodermal dysplasia X-linked; Christ Siemens Touraine syndrome; ECTODERMAL DYSPLASIA 1; Christ-Siemans-Touraine syndrome; ECTODERMAL DYSPLASIA 1, HYPOHIDROTIC, X-LINKED. Identifiers: Orphanet 181, Orphanet 238468, MedGen C0162359, MONDO:0010585, OMIM 305100.

Submission:

Labcorp Genetics (formerly Invitae), Labcorp
Classification: Pathogenic for Hypohidrotic X-linked ectodermal dysplasia. Last evaluated: 2023-08-14. Review status: criteria provided, single submitter. Criteria: Invitae Variant Classification Sherloc (09022015). Collection method: clinical testing. Allele origin: germline.
Comment: This sequence change affects the initiator methionine of the EDA mRNA. The next in-frame methionine is located at codon 133. This variant is not present in population databases (gnomAD no frequency). Disruption of the initiator codon has been observed in individual(s) with ectodermal dysplasia (PMID: 11378824, 18076698, 20979233, 24330993). For these reasons, this variant has been classified as Pathogenic.

Literature cited by the submitters: PubMed 11378824; PubMed 18076698; PubMed 20979233; PubMed 24330993.